The following is an entry in ClinVar:

NM_001376.5(DYNC1H1):c.3624G>C (p.Trp1208Cys)

Gene: DYNC1H1 (dynein cytoplasmic 1 heavy chain 1; plus strand). Cytogenetic location: 14q32.31.
Variant type: single nucleotide variant.
Coding change: c.3624G>C on transcript NM_001376.5 (MANE Select); coding-DNA position 3624, G replaced by C.
Protein change: p.Trp1208Cys; replaces tryptophan 1208 with cysteine.
Molecular consequence: missense variant.
Genome position (GRCh38, 1-based): chr14:101,997,094, G>C. VCF-style: chr14-101997094-G-C. GRCh37 (hg19) VCF-style: chr14-102463431-G-C.
Other names: short protein forms W1208C.
Identifiers: ClinVar variation 3636137 (VCV003636137.2).

ClinVar aggregate classification (germline): Uncertain significance (1 of 4 stars; one submission).

Conditions:
Charcot-Marie-Tooth disease axonal type 2O. Also called: Charcot-Marie-Tooth disease, axonal, type 20; CHARCOT-MARIE-TOOTH NEUROPATHY, AXONAL, TYPE 2O; CHARCOT-MARIE-TOOTH DISEASE, AXONAL, AUTOSOMAL DOMINANT, TYPE 2O; Charcot-Marie-Tooth Neuropathy Type 2O. Identifiers: Orphanet 284232, MedGen C3280220, MONDO:0013644, OMIM 614228.

Submission:

Labcorp Genetics (formerly Invitae), Labcorp
Classification: Uncertain significance for Charcot-Marie-Tooth disease axonal type 2O. Last evaluated: 2024-09-12. Review status: criteria provided, single submitter. Criteria: Invitae Variant Classification Sherloc (09022015). Collection method: clinical testing. Allele origin: germline.
Comment: This sequence change replaces tryptophan, which is neutral and slightly polar, with cysteine, which is neutral and slightly polar, at codon 1208 of the DYNC1H1 protein (p.Trp1208Cys). This variant is not present in population databases (gnomAD no frequency). This variant has not been reported in the literature in individuals affected with DYNC1H1-related conditions. Invitae Evidence Modeling of protein sequence and biophysical properties (such as structural, functional, and spatial information, amino acid conservation, physicochemical variation, residue mobility, and thermodynamic stability) indicates that this missense variant is expected to disrupt DYNC1H1 protein function with a positive predictive value of 95%. In summary, the available evidence is currently insufficient to determine the role of this variant in disease. Therefore, it has been classified as a Variant of Uncertain Significance.